The following is an entry in ClinVar:

NM_020207.7(ERCC6L2):c.622G>A (p.Val208Ile)

Gene: ERCC6L2 (ERCC excision repair 6 like 2; plus strand). Cytogenetic location: 9q22.32.
Variant type: single nucleotide variant.
Coding change: c.622G>A on transcript NM_020207.7 (MANE Select); coding-DNA position 622, G replaced by A.
Protein change: p.Val208Ile; replaces valine 208 with isoleucine.
Molecular consequence: missense variant. On other transcripts: non-coding transcript variant (1).
Genome position (GRCh38, 1-based): chr9:95,907,105, G>A. VCF-style: chr9-95907105-G-A. GRCh37 (hg19) VCF-style: chr9-98669387-G-A.
Other names: c.622G>A, p.Val208Ile (NM_001010895.4, NM_001375291.1, NM_001375292.1 and 2 more transcripts); short protein forms V208I.
Identifiers: ClinVar variation 4019338 (VCV004019338.1).

ClinVar aggregate classification (germline): Uncertain significance (1 of 4 stars; one submission).

Conditions:
Inborn genetic diseases. Identifiers: MedGen C0950123, MeSH D030342.

gnomAD v4.1: 7 of 1,610,444 alleles (0.00043%); highest among the groups gnomAD compares: East Asian, 0.013%; no homozygotes.

Submission:

Ambry Genetics
Classification: Uncertain significance for Inborn genetic diseases. Last evaluated: 2025-05-02. Review status: criteria provided, single submitter. Criteria: Ambry Variant Classification Scheme 2023. Collection method: clinical testing. Allele origin: germline.
Comment: The p.V208I variant (also known as c.622G>A), located in coding exon 4 of the ERCC6L2 gene, results from a G to A substitution at nucleotide position 622. The valine at codon 208 is replaced by isoleucine, an amino acid with highly similar properties. This amino acid position is conserved. In addition, the in silico prediction for this alteration is inconclusive. Based on the available evidence, the clinical significance of this variant remains unclear.